The following is an entry in ClinVar:

ClinVar aggregate classification (germline): Likely pathogenic. Review status: reviewed by expert panel (3 of 4 stars). 4 submissions from 4 submitters: Likely pathogenic (1). 3 of the submissions do not count toward it. Last evaluated 2026-08-25.

Conditions:
CDKL5 disorder. Identifiers: MedGen CN296942, MONDO:0100039.
Atypical Rett syndrome. Also called: Rett like syndrome; Variant Rett Syndrome. Identifiers: Orphanet 3095, MedGen C2748910, MONDO:0017746.

Submissions (4):

ClinGen Rett and Angelman-like Disorders Variant Curation Expert Panel
Classification: Likely pathogenic for CDKL5 disorder. Last evaluated: 2026-08-25. Review status: reviewed by expert panel. Criteria: ClinGen RettAS ACMG Specifications CDKL5 V6.0. Collection method: curation. Allele origin: germline. Inheritance: X-linked inheritance.
Comment: The p.Asn71Asp variant in CDKL5 has been reported as a de novo occurrence (biological parentage unconfirmed) in an individual with CDKL5 disorder (PMID: 21482751) (PM6, PP4). It has been observed in at least 5 additional individuals with CDKL5 disorder (PMID: 37583270, 19362436, 22872100, internal database - GeneDx) (PS4). The p.Asn71Asp variant is also absent in gnomAD v4.1.1 (PM2_Supporting). In summary, the p.Asn71Asp variant in CDKL5 is classified as Likely Pathogenic for CDKL5 disorder based on the ACMG/AMP criteria (PM6, PS4, PM2_Supporting, PP4). CDKL5 Specifications v6.0; curation approved on 25-Aug-2026.

Centre for Population Genomics, CPG
Classification: Uncertain significance for CDKL5 disorder. Last evaluated: 2024-09-20. Review status: criteria provided, single submitter. Criteria: McKnight et al. (Hum Mutat. 2022). Collection method: curation. Allele origin: germline. Inheritance: X-linked inheritance. Not counted in ClinVar's aggregate classification.
Comment: This variant has been collected from RettBASE and curated to current modified ACMG/AMP criteria. Based on the classification scheme defined by the ClinGen Rett/Angelman-like Expert Panel for Rett/AS-like Disorders Specifications to the ACMG/AMP Variant Interpretation Guidelines VCEP 3.0, this variant is classified as a variant of uncertain significance. At least the following criteria are met: This variant has been identified as a de novo occurrence in an individual with CDKL5 disorder without confirmation of paternity and maternity (PM6, PMID: 19362436). This variant is absent from gnomAD (PM2_Supporting). Has been observed in at least 2 individuals with phenotypes consistent with CDKL5 disorder (PS4_Supporting, PMID: 22872100).

GeneDx
Classification: Pathogenic. Last evaluated: 2013-09-19. Review status: criteria provided, single submitter. Criteria: GeneDx Variant Classification (06012015). Collection method: clinical testing. Allele origin: germline. Affected: yes. Not counted in ClinVar's aggregate classification.
Comment: It is a non-conservative amino acid substitution of an uncharged Asparagine residue with a negatively charged Aspartic acid residue at a position that is conserved across species. The variant is found in EPILEPSY panel(s).

RettBASE
Classification: Likely pathogenic for Atypical Rett syndrome. Last evaluated: 2014-03-13. Review status: no assertion criteria provided. Collection method: curation. Allele origin: unknown. Affected: yes. Observed: 1 variant allele. Not counted in ClinVar's aggregate classification.
Comment: Highly conserved amino acid in catalytic domain; In silico prediction: SIFT = deleterious, MutationTaster = disease-causing, PolyPhen2 = probably damaging, AlignGVGD = benign (C0)

Literature cited by the submitters: PubMed 19362436 (cited by Centre for Population Genomics, CPG); PubMed 22430159 (cited by RettBASE).

NM_001323289.2(CDKL5):c.211A>G (p.Asn71Asp)

Gene: CDKL5 (cyclin dependent kinase like 5; plus strand). Cytogenetic location: Xp22.13.
Variant type: single nucleotide variant.
Coding change: c.211A>G on transcript NM_001323289.2 (MANE Select); coding-DNA position 211, A replaced by G.
Protein change: p.Asn71Asp; replaces asparagine 71 with aspartic acid.
Molecular consequence: missense variant.
Genome position (GRCh38, 1-based): chrX:18,575,419, A>G. VCF-style: chrX-18575419-A-G. GRCh37 (hg19) VCF-style: chrX-18593539-A-G.
Other names: p.N71D:AAC>GAC; NM_001323289.2(CDKL5):c.211A>G; p.Asn71Asp; c.211A>G, p.Asn71Asp (NM_001037343.2, NM_003159.3); short protein forms N71D.
Identifiers: ClinVar variation 156591 (VCV000156591.5), dbSNP rs587783072, ClinGen allele CA199365.